The following is an entry in ClinVar:

ClinVar aggregate classification (germline): Pathogenic (1 of 4 stars; one submission).

Conditions:
Inborn genetic diseases. Identifiers: MedGen C0950123, MeSH D030342.

Submission:

Ambry Genetics
Classification: Pathogenic for Inborn genetic diseases. Last evaluated: 2021-07-23. Review status: criteria provided, single submitter. Criteria: Ambry Variant Classification Scheme 2023. Collection method: clinical testing. Allele origin: germline.
Comment: The c.566delC (p.P189Qfs*20) alteration, located in exon 6 (coding exon 6) of the MDH2 gene, consists of a deletion of one nucleotide at position 566, causing a translational frameshift with a predicted alternate stop codon after 20 amino acids. This alteration is expected to result in loss of function by premature protein truncation or nonsense-mediated mRNA decay. Based on data from the Genome Aggregation Database (gnomAD), the MDH2 c.566delC alteration was not observed, with coverage at this position. Based on the available evidence, this alteration is classified as pathogenic.

NM_005918.4(MDH2):c.566del (p.Pro189fs)

Gene: MDH2 (malate dehydrogenase 2; plus strand). Cytogenetic location: 7q11.23.
Variant type: Deletion.
Coding change: c.566del on transcript NM_005918.4 (MANE Select); coding-DNA position 566, one base deleted (C; older notation c.566delC).
Protein change: p.Pro189fs; shifts the reading frame from proline 189.
Molecular consequence: frameshift variant.
Genome position (GRCh38, 1-based): chr7:76,063,525, C deleted; the last of 2 consecutive C bases (chr7:76,063,524-76,063,525); deleting either gives the same sequence. VCF-style (leftmost placement, unchanged base first): chr7-76063523-TC-T. GRCh37 (hg19) VCF-style: chr7-75692841-TC-T.
Other names: c.440del, p.Pro147fs (NM_001282403.2); c.245del, p.Pro82fs (NM_001282404.2); short protein forms P147fs, P189fs, P82fs.
Identifiers: ClinVar variation 2231968 (VCV002231968.2), dbSNP rs2535869544, ClinGen allele CA2580077359.
Genomic context (GRCh38, chr7:76,063,523, plus strand): 5'-TTTACAGTGAAAGAGCTTGTTAACTCATCCAGCTTCATACTTTGGTCACCAGGGTTTGGA[TC>T]CAGCTCGAGTCAACGTCCCTGTCATTGGTGGCCATGCTGGGAAGACCATCATCCCCCTGA-3'